The following is an entry in ClinVar:

NM_001110556.2(FLNA):c.1807G>A (p.Gly603Arg)

Gene: FLNA (filamin A; minus strand). Cytogenetic location: Xq28.
Variant type: single nucleotide variant.
Coding change: c.1807G>A on transcript NM_001110556.2 (MANE Select); coding-DNA position 1807, G replaced by A.
Protein change: p.Gly603Arg; replaces glycine 603 with arginine.
Molecular consequence: missense variant.
Genome position (GRCh38, 1-based): chrX:154,364,842, C>T on the plus strand (G>A on the coding strand, the complement: FLNA is on the minus strand). VCF-style: chrX-154364842-C-T. GRCh37 (hg19) VCF-style: chrX-153593210-C-T.
Other names: c.1807G>A, p.Gly603Arg (NM_001456.4); short protein forms G603R.
Identifiers: ClinVar variation 590038 (VCV000590038.33), dbSNP rs200116438, ClinGen allele CA10561077.

ClinVar aggregate classification (germline): Benign/Likely benign. Review status: criteria provided, multiple submitters, no conflicts (2 of 4 stars). 3 submissions from 3 submitters: Benign (1); Likely benign (2). Last evaluated 2025-11-06.

Conditions:
Familial thoracic aortic aneurysm and aortic dissection (TAAD). Also called: Thoracic aortic aneurysms and dissections. Identifiers: Orphanet 91387, MedGen C4707243, MONDO:0019625.
Heterotopia, periventricular, X-linked dominant (PVNH1). Also called: PERIVENTRICULAR NODULAR HETEROTOPIA 4; HETEROTOPIA, PERIVENTRICULAR, 1; PERIVENTRICULAR NODULAR HETEROTOPIA 1; X-linked periventricular heterotopia. Identifiers: Orphanet 2149, Orphanet 82004, MedGen C1848213, MONDO:0010233, OMIM 300049.
Frontometaphyseal dysplasia (FMD1). Identifiers: Orphanet 1826, MedGen C0265293, MONDO:0015942.
Oto-palato-digital syndrome, type II (OPD2). Also called: OPD II SYNDROME; Otopalatodigital Syndrome Type 2 (FLNA-OPD2); Otopalatodigital Syndrome, Type II; FACIOPALATOOSSEOUS SYNDROME. Identifiers: Orphanet 669, Orphanet 90652, MedGen C1844696, MONDO:0010571, OMIM 304120.
Melnick-Needles syndrome (MNS). Also called: MELNICK-NEEDLES OSTEODYSPLASTY; OSTEODYSPLASTY OF MELNICK AND NEEDLES; Melnick-Needles Syndrome (FLNA-MNS). Identifiers: Orphanet 2484, MedGen C0025237, MONDO:0010650, OMIM 309350.

Allele frequency attached by ClinVar (database versions not stated): TOPMed 0.00002; gnomAD exomes 0.00003 and 0.00005; ExAC 0.00005; gnomAD 0.00005; ESP Exome Variant Server 0.00010.
gnomAD v4.1: 38 of 1,209,957 alleles (0.0031%); highest among the groups gnomAD compares: South Asian, 0.021%; no homozygotes.

Submissions (3):

Labcorp Genetics (formerly Invitae), Labcorp
Classification: Benign for Oto-palato-digital syndrome, type II; Heterotopia, periventricular, X-linked dominant; Frontometaphyseal dysplasia; Melnick-Needles syndrome. Last evaluated: 2025-11-06. Review status: criteria provided, single submitter. Criteria: Invitae Variant Classification Sherloc (09022015). Collection method: clinical testing. Allele origin: germline.

CeGaT Center for Human Genetics Tuebingen
Classification: Likely benign. Last evaluated: 2024-10-01. Review status: criteria provided, single submitter. Criteria: CeGaT Center For Human Genetics Tuebingen Variant Classification Criteria Version 2. Collection method: clinical testing. Allele origin: germline. Affected: yes. Observed: 2 variant alleles.
Comment: FLNA: PP3, BS2

Ambry Genetics
Classification: Likely benign for Familial thoracic aortic aneurysm and aortic dissection. Last evaluated: 2017-02-03. Review status: criteria provided, single submitter. Criteria: Ambry Variant Classification Scheme 2023. Collection method: clinical testing. Allele origin: germline.